The following is an entry in ClinVar:

NM_001040142.2(SCN2A):c.4908C>G (p.Ile1636Met)

Gene: SCN2A (sodium voltage-gated channel alpha subunit 2; plus strand). Cytogenetic location: 2q24.3.
Variant type: single nucleotide variant.
Coding change: c.4908C>G on transcript NM_001040142.2 (MANE Select); coding-DNA position 4908, C replaced by G.
Protein change: p.Ile1636Met; replaces isoleucine 1636 with methionine.
Molecular consequence: missense variant.
Genome position (GRCh38, 1-based): chr2:165,388,714, C>G. VCF-style: chr2-165388714-C-G. GRCh37 (hg19) VCF-style: chr2-166245224-C-G.
Other names: p.I1636M:ATC>ATG; c.4908C>G, p.Ile1636Met (NM_001040143.2, NM_001371246.1, NM_001371247.1 and 1 more transcripts); short protein forms I1636M.
Identifiers: ClinVar variation 207022 (VCV000207022.10), dbSNP rs796053160, ClinGen allele CA318027.
Genomic context (GRCh38, chr2:165,388,714, plus strand): 5'-AAAGTATTTTGTGTCCCCTACCCTGTTCCGAGTGATCCGTCTTGCCAGGATTGGCCGAAT[C>G]CTACGTCTGATCAAAGGAGCAAAGGGGATCCGCACGCTGCTCTTTGCTTTGATGATGTCC-3'
Protein context (NP_001035232.1, residues 1626-1646): RVIRLARIGR[Ile1636Met]LRLIKGAKGI

ClinVar aggregate classification (germline): Pathogenic/Likely pathogenic. Review status: criteria provided, multiple submitters, no conflicts (2 of 4 stars). 2 submissions from 2 submitters: Pathogenic (1); Likely pathogenic (1). Last evaluated 2025-12-04.

Conditions:
Seizures, benign familial infantile, 3 (BFIS3). Also called: CONVULSIONS, BENIGN FAMILIAL INFANTILE, 3; Familial neonatal seizures. Identifiers: Orphanet 140927, Orphanet 306, MedGen C1843140, MONDO:0011904, OMIM 607745.
Developmental and epileptic encephalopathy, 11 (DEE11). Also called: Early infantile epileptic encephalopathy 11. Identifiers: Orphanet 1934, MedGen C3150987, MONDO:0013388, OMIM 613721.

Submissions (2):

GeneDx
Classification: Pathogenic. Last evaluated: 2025-12-04. Review status: criteria provided, single submitter. Criteria: GeneDx Variant Classification Process June 2021. Collection method: clinical testing. Allele origin: germline. Affected: yes.
Comment: In silico analysis supports that this missense variant has a deleterious effect on protein structure/function; Not observed at significant frequency in large population cohorts (gnomAD); This variant is associated with the following publications: (PMID: 28837158, 33278787)

Labcorp Genetics (formerly Invitae), Labcorp
Classification: Likely pathogenic for Seizures, benign familial infantile, 3; Developmental and epileptic encephalopathy, 11. Last evaluated: 2022-03-18. Review status: criteria provided, single submitter. Criteria: Invitae Variant Classification Sherloc (09022015). Collection method: clinical testing. Allele origin: germline.
Comment: This sequence change replaces isoleucine, which is neutral and non-polar, with methionine, which is neutral and non-polar, at codon 1636 of the SCN2A protein (p.Ile1636Met). This variant is not present in population databases (gnomAD no frequency). This missense change has been observed in individual(s) with clinical features of SCN2A-related disease (PMID: 28837158, 33278787; Invitae). In at least one individual the variant was observed to be de novo. ClinVar contains an entry for this variant (Variation ID: 207022). Algorithms developed to predict the effect of missense changes on protein structure and function are either unavailable or do not agree on the potential impact of this missense change (SIFT: "Deleterious"; PolyPhen-2: "Possibly Damaging"; Align-GVGD: "Class C0"). In summary, the currently available evidence indicates that the variant is pathogenic, but additional data are needed to prove that conclusively. Therefore, this variant has been classified as Likely Pathogenic.

Literature cited by the submitters: PubMed 28837158 (cited by Labcorp Genetics (formerly Invitae), Labcorp); PubMed 33278787 (cited by Labcorp Genetics (formerly Invitae), Labcorp).